The following is an entry in ClinVar:

ClinVar aggregate classification (germline): Pathogenic (1 of 4 stars; one submission).

Conditions:
Hereditary diffuse gastric adenocarcinoma (HDGC). Also called: DIFFUSE GASTRIC AND LOBULAR BREAST CANCER SYNDROME. Identifiers: Orphanet 26106, MedGen C1708349, MONDO:0007648, OMIM 137215.

Submission:

Labcorp Genetics (formerly Invitae), Labcorp
Classification: Pathogenic for Hereditary diffuse gastric adenocarcinoma. Last evaluated: 2025-03-13. Review status: criteria provided, single submitter. Criteria: Invitae Variant Classification Sherloc (09022015). Collection method: clinical testing. Allele origin: germline.
Comment: This sequence change creates a premature translational stop signal (p.Tyr508Thrfs*14) in the CDH1 gene. It is expected to result in an absent or disrupted protein product. Loss-of-function variants in CDH1 are known to be pathogenic (PMID: 15235021, 20373070). This variant is not present in population databases (gnomAD no frequency). This variant has not been reported in the literature in individuals affected with CDH1-related conditions. For these reasons, this variant has been classified as Pathogenic.

Literature cited by the submitters: PubMed 15235021; PubMed 20373070.

NM_004360.5(CDH1):c.1521del (p.Tyr508fs)

Gene: CDH1 (cadherin 1; plus strand). Cytogenetic location: 16q22.1.
Variant type: Deletion.
Coding change: c.1521del on transcript NM_004360.5 (MANE Select); coding-DNA position 1521, one base deleted (C; older notation c.1521delC).
Protein change: p.Tyr508fs; shifts the reading frame from tyrosine 508.
Molecular consequence: frameshift variant. On other transcripts: 5 prime UTR variant (2).
Genome position (GRCh38, 1-based): chr16:68,815,715, C deleted; the last of 2 consecutive C bases (chr16:68,815,714-68,815,715); deleting either gives the same sequence. VCF-style (leftmost placement, unchanged base first): chr16-68815713-TC-T. GRCh37 (hg19) VCF-style: chr16-68849616-TC-T.
Other names: c.1338del, p.Tyr447fs (NM_001317184.2); c.-28del (NM_001317185.2); c.-299del (NM_001317186.2); short protein forms Y447fs, Y508fs.
Identifiers: ClinVar variation 4715101 (VCV004715101.1).